The following is an entry in ClinVar:

ClinVar aggregate classification (germline): Conflicting classifications of pathogenicity. Review status: criteria provided, conflicting classifications (1 of 4 stars). 4 submissions from 4 submitters: Uncertain significance (3); Likely benign (1). Last evaluated 2026-05-11.

Conditions:
TTN-related disorder. Also called: TTN-related condition; TTN-related disease; TTN-related disorders.

Allele frequency attached by ClinVar (database versions not stated): gnomAD exomes below 0.00001; gnomAD 0.00003; TOPMed 0.00005.

Submissions (4):

PreventionGenetics, part of Exact Sciences
Classification: Uncertain significance for TTN-related condition. Last evaluated: 2026-05-11. Review status: criteria provided, single submitter. Criteria: ACMG Guidelines, 2015. Collection method: clinical testing. Allele origin: germline.
Comment: The TTN c.34391A>G variant is predicted to result in the amino acid substitution p.Lys11464Arg. To our knowledge, this variant has not been reported in the literature. This variant is reported in 0.0% of alleles in individuals of African descent in gnomAD. At this time, the clinical significance of this variant is uncertain due to the absence of conclusive functional and genetic evidence.

Women's Health and Genetics/Laboratory Corporation of America, LabCorp
Classification: Uncertain significance. Last evaluated: 2025-09-04. Review status: criteria provided, single submitter. Criteria: LabCorp Variant Classification Summary - May 2015. Collection method: clinical testing. Allele origin: germline.
Comment: Variant summary: TTN NM_133378 c.30572A>G (p.Lys10191Arg), also known as NM_001267550 c.34391A>G p.Lys11464Arg, results in a conservative amino acid change in the encoded protein sequence. Algorithms developed to predict the effect of missense changes on protein structure and function are either unavailable or do not agree on the potential impact of this missense change. The variant allele was found at a frequency of 4.3e-06 in 230388 control chromosomes. The available data on variant occurrences in the general population are insufficient to allow any conclusion about variant significance. To our knowledge, no occurrence of c.30572A>G in individuals affected with TTN-related conditions and no experimental evidence demonstrating its impact on protein function have been reported. ClinVar contains an entry for this variant (Variation ID: 191991). Based on the evidence outlined above, the variant was classified as uncertain significance.

GeneDx
Classification: Likely benign. Last evaluated: 2018-01-30. Review status: criteria provided, single submitter. Criteria: GeneDx Variant Classification (06012015). Collection method: clinical testing. Allele origin: germline. Affected: yes.
Comment: This variant is considered likely benign or benign based on one or more of the following criteria: it is a conservative change, it occurs at a poorly conserved position in the protein, it is predicted to be benign by multiple in silico algorithms, and/or has population frequency not consistent with disease.

Biesecker Lab/Clinical Genomics Section, National Institutes of Health
Classification: Uncertain significance. Last evaluated: 2013-06-24. Review status: criteria provided, single submitter. Criteria: Ng et al. (Circ Cardiovasc Genet. 2013). Collection method: research. Allele origin: unknown. Observed: 1 variant allele. Study: ClinSeq.
Comment: The study set was not selected for affection status in relation to any cancer. Pathogenicity categories were based on literature curation. See Pubmed ID:23861362 for details.

Medical sequencing

NM_001267550.2(TTN):c.34391A>G (p.Lys11464Arg)

Gene: TTN (titin; minus strand). Cytogenetic location: 2q31.2.
Variant type: single nucleotide variant.
Coding change: c.34391A>G on transcript NM_001267550.2 (MANE Select); coding-DNA position 34391, A replaced by G.
Protein change: p.Lys11464Arg; replaces lysine 11464 with arginine.
Molecular consequence: missense variant. On other transcripts: intron variant (3).
Genome position (GRCh38, 1-based): chr2:178,675,983, T>C on the plus strand (A>G on the coding strand, the complement: TTN is on the minus strand). VCF-style: chr2-178675983-T-C. GRCh37 (hg19) VCF-style: chr2-179540710-T-C.
Other names: c.33353A>G, p.Lys11118Arg (NM_001256850.1); c.30572A>G, p.Lys10191Arg (NM_133378.4); c.13283-33666A>G (NM_003319.4); c.13859-33666A>G (NM_133437.4); c.13658-33666A>G (NM_133432.3); short protein forms K10191R, K11464R, K11118R.
Identifiers: ClinVar variation 191991 (VCV000191991.3), dbSNP rs786205396, ClinGen allele CA238042.